The following is an entry in ClinVar:

ClinVar aggregate classification (germline): Pathogenic (1 of 4 stars; one submission).

Conditions:
Autosomal recessive limb-girdle muscular dystrophy type 2A (LGMDR1). Also called: LEYDEN-MOEBIUS MUSCULAR DYSTROPHY; Limb-girdle muscular dystrophy, type 2A; Calpainopathy; MUSCULAR DYSTROPHY, PELVOFEMORAL; Muscular dystrophy, limb-girdle, type 2A, Amish. Identifiers: Orphanet 267, MedGen C1869123, MONDO:0009675, OMIM 253600. Disease mechanism: loss of function.

Submission:

Labcorp Genetics (formerly Invitae), Labcorp
Classification: Pathogenic for Autosomal recessive limb-girdle muscular dystrophy type 2A. Last evaluated: 2023-07-18. Review status: criteria provided, single submitter. Criteria: Invitae Variant Classification Sherloc (09022015). Collection method: clinical testing. Allele origin: unknown.
Comment: For these reasons, this variant has been classified as Pathogenic. This variant has not been reported in the literature in individuals affected with CAPN3-related conditions. This variant is a gross deletion of the genomic region encompassing exon(s) 8 of the CAPN3 gene. This deletion is out-of-frame, and is expected to create a premature termination codon and result in an absent or disrupted protein product. Loss-of-function variants in CAPN3 are known to be pathogenic (PMID: 10330340, 15689361).

Literature cited by the submitters: PubMed 10330340; PubMed 15689361.

NC_000015.9:g.(?_42686437)_(42688200_?)del

Gene: CAPN3 (calpain 3; plus strand). Cytogenetic location: 15q15.1.
Variant type: Deletion.
Identifiers: ClinVar variation 3243804 (VCV003243804.1).